The following is an entry in ClinVar:

ClinVar aggregate classification (germline): Uncertain significance (1 of 4 stars; one submission).

Conditions:
NLRP3-related disorder. Also called: NLRP3-related condition; NLRP3-Related Disorders.

gnomAD v4.1: 4 of 1,614,034 alleles (0.00025%); highest among the groups gnomAD compares: African/African-American, 0.0013%; no homozygotes.

Submission:

PreventionGenetics, part of Exact Sciences
Classification: Uncertain significance for NLRP3-related condition. Last evaluated: 2025-06-14. Review status: criteria provided, single submitter. Criteria: ACMG Guidelines, 2015. Collection method: clinical testing. Allele origin: germline.
Comment: The NLRP3 c.2705C>T variant is predicted to result in the amino acid substitution p.Ser902Leu. To our knowledge, this variant has not been reported in the literature or in a large population database (gnomAD), indicating this variant is rare. At this time, the clinical significance of this variant is uncertain due to the absence of conclusive functional and genetic evidence.

NM_001243133.2(NLRP3):c.2699C>T (p.Ser900Leu)

Gene: NLRP3 (NLR family pyrin domain containing 3; plus strand). Cytogenetic location: 1q44.
Variant type: single nucleotide variant.
Coding change: c.2699C>T on transcript NM_001243133.2 (MANE Select); coding-DNA position 2699, C replaced by T.
Protein change: p.Ser900Leu; replaces serine 900 with leucine.
Molecular consequence: missense variant.
Genome position (GRCh38, 1-based): chr1:247,444,007, C>T. VCF-style: chr1-247444007-C-T. GRCh37 (hg19) VCF-style: chr1-247607309-C-T.
Other names: c.2699C>T, p.Ser900Leu (NM_001079821.3); c.2528C>T, p.Ser843Leu (NM_001127461.3, NM_001127462.3); c.2705C>T, p.Ser902Leu (NM_004895.5); c.2357C>T, p.Ser786Leu (NM_183395.3); short protein forms S786L, S843L, S900L, S902L.
Identifiers: ClinVar variation 5002089 (VCV005002089.1).
Genomic context (GRCh38, chr1:247,444,007, plus strand): 5'-GACTCTTCTCCCTGTCCTTCTACAGGTTGGTGAATTCTGGCCTTACGTCAGTCTGTTGTT[C>T]AGCTTTGTCCTCGGTACTCAGCACTAATCAGAATCTCACGCACCTTTACCTGCGAGGCAA-3'
Protein context (NP_001230062.1, residues 890-910): VNSGLTSVCC[Ser900Leu]ALSSVLSTNQ